The following is an entry in ClinVar:

ClinVar aggregate classification (germline): Uncertain significance (0 of 4 stars; one submission).

Conditions:
SET-related disorder. Also called: SET-related condition.

Submission:

PreventionGenetics, part of Exact Sciences
Classification: Uncertain significance for SET-related condition. Last evaluated: 2024-06-05. Review status: no assertion criteria provided. Collection method: clinical testing. Allele origin: germline.
Comment: The SET c.644A>G variant is predicted to result in the amino acid substitution p.Asp215Gly. To our knowledge, this variant has not been reported in the literature or in a large population database, indicating this variant is rare. At this time, the clinical significance of this variant is uncertain due to the absence of conclusive functional and genetic evidence.

NM_003011.4(SET):c.605A>G (p.Asp202Gly)

Gene: SET (SET nuclear proto-oncogene; plus strand). Cytogenetic location: 9q34.11.
Variant type: single nucleotide variant.
Coding change: c.605A>G on transcript NM_003011.4 (MANE Select); coding-DNA position 605, A replaced by G.
Protein change: p.Asp202Gly; replaces aspartic acid 202 with glycine.
Molecular consequence: missense variant.
Genome position (GRCh38, 1-based): chr9:128,693,750, A>G. VCF-style: chr9-128693750-A-G. GRCh37 (hg19) VCF-style: chr9-131456029-A-G.
Other names: c.644A>G, p.Asp215Gly (NM_001122821.2, NM_001374326.1); c.578A>G, p.Asp193Gly (NM_001248000.2); c.572A>G, p.Asp191Gly (NM_001248001.2); short protein forms D191G, D193G, D202G, D215G.
Identifiers: ClinVar variation 3347395 (VCV003347395.1).